The following is an entry in ClinVar:

ClinVar aggregate classification (germline): Uncertain significance. Review status: criteria provided, multiple submitters, no conflicts (2 of 4 stars). 3 submissions from 3 submitters: Uncertain significance (3). Last evaluated 2024-08-05.

Conditions:
Hereditary cancer-predisposing syndrome. Also called: Neoplastic Syndromes, Hereditary; Hereditary neoplastic syndrome; Hereditary Cancer Syndrome; Tumor predisposition. Identifiers: Orphanet 140162, MedGen C0027672, MeSH D009386, MONDO:0015356.
Ataxia-telangiectasia syndrome (AT). Also called: Ataxia-telangiectasia, complementation group D; AT, COMPLEMENTATION GROUP C; Ataxia-telangiectasia; Ataxia telangiectasia (A-T); Ataxia-telangiectasia, complementation group E; Cerebello-oculocutaneous telangiectasia. Identifiers: Orphanet 100, MedGen C0004135, MONDO:0008840, OMIM 208900.
Familial cancer of breast. Also called: Hereditary breast cancer; hereditary breast carcinoma; BREAST CANCER, FAMILIAL. Identifiers: Orphanet 227535, MedGen C0346153, MONDO:0016419, OMIM 114480. Disease mechanism: loss of function.

Allele frequency attached by ClinVar (database versions not stated): gnomAD exomes below 0.00001 and 0.00001; TOPMed 0.00001; gnomAD 0.00003.
gnomAD v4.1: 6 of 1,610,868 alleles (0.00037%); highest among the groups gnomAD compares: Admixed American, 0.01%; no homozygotes.

Submissions (3):

Ambry Genetics
Classification: Uncertain significance for Hereditary cancer-predisposing syndrome. Last evaluated: 2024-08-05. Review status: criteria provided, single submitter. Criteria: Ambry Variant Classification Scheme 2023. Collection method: clinical testing. Allele origin: germline.
Comment: The p.G727V variant (also known as c.2180G>T), located in coding exon 13 of the ATM gene, results from a G to T substitution at nucleotide position 2180. The glycine at codon 727 is replaced by valine, an amino acid with dissimilar properties. This amino acid position is conserved. In addition, this alteration is predicted to be deleterious by in silico analysis. Based on the available evidence, the clinical significance of this variant remains unclear.

Baylor Genetics
Classification: Uncertain significance for Familial cancer of breast. Last evaluated: 2024-01-26. Review status: criteria provided, single submitter. Criteria: ACMG Guidelines, 2015. Collection method: clinical testing. Allele origin: unknown.

Labcorp Genetics (formerly Invitae), Labcorp
Classification: Uncertain significance for Ataxia-telangiectasia syndrome. Last evaluated: 2022-10-12. Review status: criteria provided, single submitter. Criteria: Invitae Variant Classification Sherloc (09022015). Collection method: clinical testing. Allele origin: germline.
Comment: In summary, the available evidence is currently insufficient to determine the role of this variant in disease. Therefore, it has been classified as a Variant of Uncertain Significance. Algorithms developed to predict the effect of missense changes on protein structure and function are either unavailable or do not agree on the potential impact of this missense change (SIFT: "Tolerated"; PolyPhen-2: "Probably Damaging"; Align-GVGD: "Class C0"). ClinVar contains an entry for this variant (Variation ID: 1408778). This variant has not been reported in the literature in individuals affected with ATM-related conditions. This variant is present in population databases (no rsID available, gnomAD 0.006%). This sequence change replaces glycine, which is neutral and non-polar, with valine, which is neutral and non-polar, at codon 727 of the ATM protein (p.Gly727Val).

NM_000051.4(ATM):c.2180G>T (p.Gly727Val)

Gene: ATM (ATM serine/threonine kinase; plus strand). Cytogenetic location: 11q22.3.
Variant type: single nucleotide variant.
Coding change: c.2180G>T on transcript NM_000051.4 (MANE Select); coding-DNA position 2180, G replaced by T.
Protein change: p.Gly727Val; replaces glycine 727 with valine.
Molecular consequence: missense variant.
Genome position (GRCh38, 1-based): chr11:108,256,270, G>T. VCF-style: chr11-108256270-G-T. GRCh37 (hg19) VCF-style: chr11-108126997-G-T.
Other names: c.2180G>T (NM_000051.3); c.2180G>T, p.Gly727Val (NM_001351834.2); short protein forms G727V.
Identifiers: ClinVar variation 1408778 (VCV001408778.10), dbSNP rs1446080226, ClinGen allele CA382538838.